The following is an entry in ClinVar:

ClinVar aggregate classification (germline): Pathogenic (1 of 4 stars; one submission).

Conditions:
X-linked severe combined immunodeficiency (SCIDX1). Also called: IMMUNODEFICIENCY 4; SCID, X-LINKED; SEVERE COMBINED IMMUNODEFICIENCY, X-LINKED, T CELL-NEGATIVE, B CELL-POSITIVE, NK CELL-NEGATIVE; X-Linked Combined Immunodeficiency Diseases; T-B+ severe combined immunodeficiency due to gamma chain deficiency. Identifiers: Orphanet 276, MedGen C6022468, MONDO:0010315, OMIM 300400. Disease mechanism: loss of function.

Submission:

Labcorp Genetics (formerly Invitae), Labcorp
Classification: Pathogenic for X-linked severe combined immunodeficiency. Last evaluated: 2022-09-01. Review status: criteria provided, single submitter. Criteria: Invitae Variant Classification Sherloc (09022015). Collection method: clinical testing. Allele origin: unknown.
Comment: For these reasons, this variant has been classified as Pathogenic. A similar copy number variant has been observed in individual(s) with IL2RG-related conditions (PMID: 8605324). A gross deletion of the genomic region encompassing the full coding sequence of the IL2RG gene has been identified. Loss-of-function variants in IL2RG are known to be pathogenic (PMID: 9058718, 10794430). The boundaries of this event are unknown as they extend beyond the assayed region for this gene and therefore may encompass additional genes.

Literature cited by the submitters: PubMed 8605324; PubMed 9058718; PubMed 10794430.

NC_000023.10:g.(?_70326254)_(70332481_?)del

Genes: CXorf65 (chromosome X open reading frame 65; minus strand), IL2RG (interleukin 2 receptor subunit gamma; minus strand). Cytogenetic location: Xq13.1.
Variant type: Deletion.
Identifiers: ClinVar variation 3244127 (VCV003244127.1).